The following is an entry in ClinVar:

NM_001379286.1(ZNF423):c.747G>T (p.Met249Ile)

Gene: ZNF423 (zinc finger protein 423; minus strand). Cytogenetic location: 16q12.1.
Variant type: single nucleotide variant.
Coding change: c.747G>T on transcript NM_001379286.1 (MANE Select); coding-DNA position 747, G replaced by T.
Protein change: p.Met249Ile; replaces methionine 249 with isoleucine.
Molecular consequence: missense variant.
Genome position (GRCh38, 1-based): chr16:49,638,429, C>A on the plus strand (G>T on the coding strand, the complement: ZNF423 is on the minus strand). VCF-style: chr16-49638429-C-A. GRCh37 (hg19) VCF-style: chr16-49672340-C-A.
Other names: c.543G>T, p.Met181Ile (NM_001271620.2); c.372G>T, p.Met124Ile (NM_001330533.2); c.723G>T, p.Met241Ile (NM_015069.5); short protein forms M181I, M241I, M249I, M124I.
Identifiers: ClinVar variation 2001798 (VCV002001798.4), dbSNP rs1972842760, ClinGen allele CA395851623.

ClinVar aggregate classification (germline): Uncertain significance (1 of 4 stars; one submission).

Conditions:
Nephronophthisis 14 (NPHP14). Identifiers: Orphanet 2318, MedGen C3539071, MONDO:0013916, OMIM 614844.

Allele frequency attached by ClinVar (database versions not stated): gnomAD exomes below 0.00001.

Submission:

Labcorp Genetics (formerly Invitae), Labcorp
Classification: Uncertain significance for Nephronophthisis 14. Last evaluated: 2023-08-10. Review status: criteria provided, single submitter. Criteria: Invitae Variant Classification Sherloc (09022015). Collection method: clinical testing. Allele origin: germline.
Comment: ClinVar contains an entry for this variant (Variation ID: 2001798). In summary, the available evidence is currently insufficient to determine the role of this variant in disease. Therefore, it has been classified as a Variant of Uncertain Significance. Advanced modeling of protein sequence and biophysical properties (such as structural, functional, and spatial information, amino acid conservation, physicochemical variation, residue mobility, and thermodynamic stability) performed at Invitae indicates that this missense variant is not expected to disrupt ZNF423 protein function. This variant has not been reported in the literature in individuals affected with ZNF423-related conditions. This variant is not present in population databases (gnomAD no frequency). This sequence change replaces methionine, which is neutral and non-polar, with isoleucine, which is neutral and non-polar, at codon 241 of the ZNF423 protein (p.Met241Ile).